The following is an entry in ClinVar:

ClinVar aggregate classification (germline): Pathogenic/Likely pathogenic. Review status: criteria provided, multiple submitters, no conflicts (2 of 4 stars). 2 submissions from 2 submitters: Pathogenic (1); Likely pathogenic (1). Last evaluated 2019-12-10.

Conditions:
Polycystic kidney disease 4 (PKD4). Also called: POLYCYSTIC KIDNEY AND HEPATIC DISEASE 1; POLYCYSTIC KIDNEY DISEASE, INFANTILE, TYPE I; PKD3; POLYCYSTIC KIDNEY DISEASE 4 WITH OR WITHOUT POLYCYSTIC LIVER DISEASE; Autosomal Recessive Polycystic Kidney Disease – PKHD1. Identifiers: MedGen C4540575, MONDO:0033004, OMIM 263200.

Submissions (2):

Revvity Omics, Revvity
Classification: Pathogenic for Polycystic kidney disease 4. Last evaluated: 2019-12-10. Review status: criteria provided, single submitter. Criteria: ACMG Guidelines, 2015. Collection method: clinical testing. Allele origin: germline.

Juno Genomics, Hangzhou Juno Genomics, Inc
Classification: Likely pathogenic for Polycystic kidney disease 4. Review status: criteria provided, single submitter. Criteria: ACMG Guidelines, 2015. Collection method: clinical testing. Allele origin: germline. Affected: yes.
Comment: Absent from controls (or at extremely low frequency if recessive) in Genome Aggregation Database, Exome Sequencing Project, 1000 Genomes Project, or Exome Aggregation Consortium.;Null variant in a gene where loss of function (LOF) is a known mechanism of disease.

NM_138694.4(PKHD1):c.8069G>A (p.Trp2690Ter)

Gene: PKHD1 (PKHD1 ciliary IPT domain containing fibrocystin/polyductin; minus strand). Cytogenetic location: 6p12.2.
Variant type: single nucleotide variant.
Coding change: c.8069G>A on transcript NM_138694.4 (MANE Select); coding-DNA position 8069, G replaced by A.
Protein change: p.Trp2690Ter; replaces tryptophan 2690 with a stop codon.
Molecular consequence: nonsense.
Genome position (GRCh38, 1-based): chr6:51,847,813, C>T on the plus strand (G>A on the coding strand, the complement: PKHD1 is on the minus strand). VCF-style: chr6-51847813-C-T. GRCh37 (hg19) VCF-style: chr6-51712611-C-T.
Other names: c.8069G>A, p.Trp2690Ter (NM_170724.3); short protein forms W2690*.
Identifiers: ClinVar variation 1323463 (VCV001323463.5), dbSNP rs768660365, ClinGen allele CA364429088.
Genomic context (GRCh38, chr6:51,847,813, plus strand): 5'-ATTCATCCAATTGGATACTTACCCAGATAGGTGAGTTGCCTCAGCTGGCTATTGAAGAAC[C>T]AGTCACAGCCTTGGTTCTGACCTGGTGATGGAAGAAATGGAAAAGACAGACCCACTCGAC-3'